The following is an entry in ClinVar:

ClinVar aggregate classification (germline): Likely pathogenic. Review status: criteria provided, multiple submitters, no conflicts (2 of 4 stars). 5 submissions from 5 submitters: Likely pathogenic (5). Last evaluated 2025-04-02.

Conditions:
Hereditary cancer-predisposing syndrome. Also called: Hereditary neoplastic syndrome; Hereditary Cancer Syndrome; Neoplastic Syndromes, Hereditary; Tumor predisposition. Identifiers: Orphanet 140162, MedGen C0027672, MeSH D009386, MONDO:0015356.
Cardiovascular phenotype. Identifiers: MedGen CN230736.
Neurofibromatosis, type 1 (NF1). Also called: Neurofibromatosis, type I; VON RECKLINGHAUSEN DISEASE; NEUROFIBROMATOSIS, TYPE I, SOMATIC; Peripheral type neurofibromatosis. Identifiers: Orphanet 636, MedGen C0027831, MONDO:0018975, OMIM 162200. Disease mechanism: loss of function.

Submissions (6):

Ambry Genetics
Classification: Likely pathogenic for Cardiovascular phenotype; Hereditary cancer-predisposing syndrome. Last evaluated: 2025-04-02. Review status: criteria provided, single submitter. Criteria: Ambry Variant Classification Scheme 2023. Collection method: clinical testing. Allele origin: germline.
Comment: The p.R997S variant (also known as c.2991G>T) is located in coding exon 23 of the NF1 gene. The arginine at codon 997 is replaced by serine, an amino acid with dissimilar properties. This change occurs in the first base pair of coding exon 23. This variant was determined to be de novo in at least one individual with features consistent with Neurofibromatosis type 1 (Ambry internal data; personal communication). This amino acid position is highly conserved in available vertebrate species. In addition, the in silico prediction for this alteration is inconclusive. This variant is considered to be rare based on population cohorts in the Genome Aggregation Database (gnomAD). Based on the majority of available evidence to date, this variant is likely to be pathogenic.

Labcorp Genetics (formerly Invitae), Labcorp
Classification: Likely pathogenic for Neurofibromatosis, type 1. Last evaluated: 2025-02-16. Review status: criteria provided, single submitter. Criteria: Invitae Variant Classification Sherloc (09022015). Collection method: clinical testing. Allele origin: germline.
Comment: This sequence change replaces arginine, which is basic and polar, with serine, which is neutral and polar, at codon 997 of the NF1 protein (p.Arg997Ser). This variant is not present in population databases (gnomAD no frequency). This missense change has been observed in individual(s) with clinical features of NF1-related conditions (internal data). In at least one individual the variant was observed to be de novo. ClinVar contains an entry for this variant (Variation ID: 426719). An algorithm developed to predict the effect of missense changes on protein structure and function (PolyPhen-2) suggests that this variant is likely to be disruptive. This variant disrupts the p.Arg997 amino acid residue in NF1. Other variant(s) that disrupt this residue have been determined to be pathogenic (internal data). This suggests that this residue is clinically significant, and that variants that disrupt this residue are likely to be disease-causing. In summary, the currently available evidence indicates that the variant is pathogenic, but additional data are needed to prove that conclusively. Therefore, this variant has been classified as Likely Pathogenic.

Quest Diagnostics Nichols Institute San Juan Capistrano
Classification: Likely pathogenic. Last evaluated: 2024-10-18. Review status: criteria provided, single submitter. Criteria: Quest Diagnostics criteria. Collection method: clinical testing. Allele origin: unknown.
Comment: The NF1 c.2991G>T (p.Arg997Ser) variant disrupts a canonical splice-acceptor site and is predicted to interfere with normal NF1 mRNA splicing. This variant has not been reported in individuals with NF1-related conditions in the published literature. This variant has not been reported in large, multi-ethnic general populations (Genome Aggregation Database). Based on the available information, this variant is classified as likely pathogenic.

GeneDx
Classification: Likely pathogenic. Last evaluated: 2023-03-28. Review status: criteria provided, single submitter. Criteria: GeneDx Variant Classification Process June 2021. Collection method: clinical testing. Allele origin: germline. Affected: yes.
Comment: Not observed in large population cohorts (gnomAD); In silico analysis, which includes protein predictors and evolutionary conservation, supports a deleterious effect; Has not been previously published as pathogenic or benign to our knowledge; This variant is associated with the following publications: (PMID: 25486365, 2121369, 30274822, 32579932, 25326804, 26689913, 31925297, 27397505, 30287823, 30981987)

Genome-Nilou Lab
Classification: Likely pathogenic for Neurofibromatosis, type 1. Last evaluated: 2022-03-15. Review status: criteria provided, single submitter. Criteria: ACMG Guidelines, 2015. Collection method: clinical testing. Allele origin: germline. Affected: no.

Dr. Peter K. Rogan Lab, Western University
No classification provided (evidence only). Condition: Lung cancer. Review status: no classification provided. Collection method: in vitro. Allele origin: not applicable. Functional consequence: retained intron. Not counted in ClinVar's aggregate classification.

NM_001042492.3(NF1):c.2991G>T (p.Arg997Ser)

Gene: NF1 (neurofibromin 1; plus strand). Cytogenetic location: 17q11.2.
Variant type: single nucleotide variant.
Coding change: c.2991G>T on transcript NM_001042492.3 (MANE Select); coding-DNA position 2991, G replaced by T.
Protein change: p.Arg997Ser; replaces arginine 997 with serine.
Molecular consequence: missense variant.
Genome position (GRCh38, 1-based): chr17:31,230,260, G>T. VCF-style: chr17-31230260-G-T. GRCh37 (hg19) VCF-style: chr17-29557278-G-T.
Other names: c.2991G>T, p.Arg997Ser (NM_000267.4); short protein forms R997S.
Identifiers: ClinVar variation 426719 (VCV000426719.12), dbSNP rs755501749, ClinGen allele CA398986502.
Genomic context (GRCh38, chr17:31,230,260, plus strand): 5'-AGAATGCCTTCTCTTTTGTCTATATCTGATAATTTTTTTATTGTTTCTATGTCTATATAG[G>T]TATGTTCGTGTGCTTGGGAATATGGTCCATGCAATTCAAATAAAAACGAAACTGTGTCAA-3'
Protein context (NP_001035957.1, residues 987-1007): SIETMMLNLV[Arg997Ser]YVRVLGNMVH